The following is an entry in ClinVar:

ClinVar aggregate classification (germline): Uncertain significance (1 of 4 stars; one submission).

Allele frequency attached by ClinVar (database versions not stated): gnomAD exomes 0.00001.
gnomAD v4.1: 3 of 1,614,116 alleles (0.00019%); highest among the groups gnomAD compares: East Asian, 0.0022%; no homozygotes.

Submission:

GeneDx
Classification: Uncertain significance. Last evaluated: 2023-04-06. Review status: criteria provided, single submitter. Criteria: GeneDx Variant Classification Process June 2021. Collection method: clinical testing. Allele origin: germline. Affected: yes.
Comment: In silico analysis supports that this missense variant has a deleterious effect on protein structure/function; Has not been previously published as pathogenic or benign to our knowledge

NM_001020658.2(PUM1):c.2669A>G (p.Tyr890Cys)

Genes: PUM1 (pumilio RNA binding family member 1; minus strand), LOC126805680 (BRD4-independent group 4 enhancer GRCh37_chr1:31424624-31425823; plus strand). Cytogenetic location: 1p35.2.
Variant type: single nucleotide variant.
Coding change: c.2669A>G on transcript NM_001020658.2 (MANE Select); coding-DNA position 2669, A replaced by G.
Protein change: p.Tyr890Cys; replaces tyrosine 890 with cysteine.
Molecular consequence: missense variant.
Genome position (GRCh38, 1-based): chr1:30,952,286, T>C on the plus strand (A>G on the coding strand, the complement: PUM1 is on the minus strand). VCF-style: chr1-30952286-T-C. GRCh37 (hg19) VCF-style: chr1-31425133-T-C.
Other names: c.2669A>G, p.Tyr890Cys (NM_014676.3); short protein forms Y890C.
Identifiers: ClinVar variation 2663728 (VCV002663728.1), dbSNP rs1393288322, ClinGen allele CA339563869.